The following is an entry in ClinVar:

ClinVar aggregate classification (germline): Likely benign (1 of 4 stars; one submission).

Allele frequency attached by ClinVar (database versions not stated): 1000 Genomes Project 30x 0.00146; 1000 Genomes Project 0.00159; gnomAD 0.00178 and 0.00182; TOPMed 0.00192; gnomAD exomes 0.00297.
gnomAD v4.1: 1,500 of 555,550 alleles (0.27%); highest among the groups gnomAD compares: Admixed American, 1.7%; 5 homozygotes.

Submission:

GeneDx
Classification: Likely benign. Last evaluated: 2018-06-19. Review status: criteria provided, single submitter. Criteria: GeneDx Variant Classification (06012015). Collection method: clinical testing. Allele origin: germline. Affected: yes.
Comment: This variant is considered likely benign or benign based on one or more of the following criteria: it is a conservative change, it occurs at a poorly conserved position in the protein, it is predicted to be benign by multiple in silico algorithms, and/or has population frequency not consistent with disease.

NM_004006.3(DMD):c.7200+133T>C

Gene: DMD (dystrophin; minus strand). Cytogenetic location: Xp21.1.
Variant type: single nucleotide variant.
Coding change: c.7200+133T>C on transcript NM_004006.3 (MANE Select); 133 bases into the intron after coding-DNA position 7200, T replaced by C.
Molecular consequence: intron variant.
Genome position (GRCh38, 1-based): chrX:31,836,585, A>G on the plus strand (T>C on the coding strand, the complement: DMD is on the minus strand). VCF-style: chrX-31836585-A-G. GRCh37 (hg19) VCF-style: chrX-31854702-A-G.
Other names: c.3177+133T>C (NM_004011.4); c.3168+133T>C (NM_004012.4); c.-181+133T>C (NM_004023.3, NM_004020.4, NM_004022.3 and 2 more transcripts); c.7188+133T>C (NM_004009.3); c.6831+133T>C (NM_004010.3); c.7176+133T>C (NM_000109.4).
Identifiers: ClinVar variation 674546 (VCV000674546.1), dbSNP rs187850223, ClinGen allele CA328478568.